The following is an entry in ClinVar:

ClinVar aggregate classification (germline): Conflicting classifications of pathogenicity. Review status: criteria provided, conflicting classifications (1 of 4 stars). 2 submissions from 2 submitters: Pathogenic (1); Uncertain significance (1). Last evaluated 2026-02-24.

Conditions:
Sessile serrated polyposis cancer syndrome (SSPCS). Identifiers: Orphanet 157798, MedGen C4310714, MONDO:0014919, OMIM 617108.

Allele frequency attached by ClinVar (database versions not stated): gnomAD 0.00001.
gnomAD v4.1: 1 of 1,598,666 alleles (0.000063%); highest among the groups gnomAD compares: East Asian, 0.0023%; no homozygotes.

Submissions (2):

Myriad Genetics, Inc.
Classification: Pathogenic for Sessile serrated polyposis cancer syndrome. Last evaluated: 2026-02-24. Review status: criteria provided, single submitter. Criteria: Myriad Autosomal Dominant, Autosomal Recessive and X-Linked Classification Criteria (2023). Collection method: clinical testing. Allele origin: unknown.
Comment: This variant is considered pathogenic. This variant creates a termination codon and is predicted to result in premature protein truncation.

Baylor Genetics
Classification: Uncertain significance for Sessile serrated polyposis cancer syndrome. Last evaluated: 2023-09-27. Review status: criteria provided, single submitter. Criteria: ACMG Guidelines, 2015. Collection method: clinical testing. Allele origin: unknown.

NM_017763.6(RNF43):c.714G>A (p.Trp238Ter)

Gene: RNF43 (ring finger protein 43; minus strand). Cytogenetic location: 17q22.
Variant type: single nucleotide variant.
Coding change: c.714G>A on transcript NM_017763.6 (MANE Select); coding-DNA position 714, G replaced by A.
Protein change: p.Trp238Ter; replaces tryptophan 238 with a stop codon.
Molecular consequence: nonsense.
Genome position (GRCh38, 1-based): chr17:58,360,918, C>T on the plus strand (G>A on the coding strand, the complement: RNF43 is on the minus strand). VCF-style: chr17-58360918-C-T. GRCh37 (hg19) VCF-style: chr17-56438279-C-T.
Other names: c.714G>A, p.Trp238Ter (NM_001305544.3); c.333G>A, p.Trp111Ter (NM_001305545.2); short protein forms W111*, W238*.
Identifiers: ClinVar variation 2678399 (VCV002678399.2), dbSNP rs1224543746, ClinGen allele CA400334231.
Genomic context (GRCh38, chr17:58,360,918, plus strand): 5'-CTCACCCCGGGCCTGCCTGCAGCTGGCCTGGTACCTCCTGGTGGCCAGCTGGCTGATGGC[C>T]CAGGCTGTTCTCTGCTGAAGCGGATCCTGGGAAGAGGAATGGGGCTCAGATTGGGGCATG-3'